The following is an entry in ClinVar:

NM_022124.6(CDH23):c.8073G>T (p.Leu2691Phe)

Gene: CDH23 (cadherin related 23; plus strand). Cytogenetic location: 10q22.1.
Variant type: single nucleotide variant.
Coding change: c.8073G>T on transcript NM_022124.6 (MANE Select); coding-DNA position 8073, G replaced by T.
Protein change: p.Leu2691Phe; replaces leucine 2691 with phenylalanine.
Molecular consequence: missense variant.
Genome position (GRCh38, 1-based): chr10:71,806,176, G>T. VCF-style: chr10-71806176-G-T. GRCh37 (hg19) VCF-style: chr10-73565933-G-T.
Other names: c.1353G>T, p.Leu451Phe (NM_001171933.1, NM_001171934.1); short protein forms L2691F, L451F.
Identifiers: ClinVar variation 2290621 (VCV002290621.3), dbSNP rs1841713696, ClinGen allele CA377162294.

ClinVar aggregate classification (germline): Uncertain significance. Review status: criteria provided, single submitter (1 of 4 stars). 2 submissions from 2 submitters: Uncertain significance (1). 1 of the submissions does not count toward it. Last evaluated 2022-05-25.

Conditions:
Autosomal recessive nonsyndromic hearing loss 12. Also called: DEAFNESS, AUTOSOMAL RECESSIVE 12. Identifiers: Orphanet 90636, MedGen C1832394, MONDO:0011067, OMIM 601386.
Inborn genetic diseases. Identifiers: MedGen C0950123, MeSH D030342.

Allele frequency attached by ClinVar (database versions not stated): TOPMed below 0.00001.

Submissions (2):

Ambry Genetics
Classification: Uncertain significance for Inborn genetic diseases. Last evaluated: 2022-05-25. Review status: criteria provided, single submitter. Criteria: Ambry Variant Classification Scheme 2023. Collection method: clinical testing. Allele origin: germline.

Wonkam Laboratory, Johns Hopkins University
Classification: Uncertain significance for Autosomal recessive nonsyndromic hearing loss 12. Last evaluated: 2024-01-06. Review status: no assertion criteria provided. Collection method: research. Allele origin: unknown. Inheritance: Autosomal recessive inheritance. Affected: yes. Observed: 2 variant alleles. Not counted in ClinVar's aggregate classification.
Comment: This variant NM_001171933.1 c.1353G>T is absent from controls (or at extremely low frequency if recessive) in gnomAdv4.1.0 (PM2), Patient's phenotype and family history is highly specific for a disease with a single genetic etiology (PP4), Cosegregation with disease in multiple affected family members in a gene definitively known to cause the disease (PP1). This variant was found in homozygous state only in affected individuals of the family